The following is an entry in ClinVar:

ClinVar aggregate classification (germline): Pathogenic (1 of 4 stars; one submission).

Conditions:
Perlman syndrome (PRLMNS). Identifiers: Orphanet 2849, MedGen C0796113, MONDO:0009965, OMIM 267000.

Allele frequency attached by ClinVar (database versions not stated): gnomAD exomes below 0.00001.
gnomAD v4.1: 1 of 1,612,658 alleles (0.000062%); highest among the groups gnomAD compares: Non-Finnish European, 0.000085%; no homozygotes.

Submission:

Labcorp Genetics (formerly Invitae), Labcorp
Classification: Pathogenic for Perlman syndrome. Last evaluated: 2023-08-20. Review status: criteria provided, single submitter. Criteria: Invitae Variant Classification Sherloc (09022015). Collection method: clinical testing. Allele origin: germline.
Comment: This variant has not been reported in the literature in individuals affected with DIS3L2-related conditions. For these reasons, this variant has been classified as Pathogenic. ClinVar contains an entry for this variant (Variation ID: 836527). This variant is not present in population databases (gnomAD no frequency). This sequence change creates a premature translational stop signal (p.Gln681*) in the DIS3L2 gene. It is expected to result in an absent or disrupted protein product. Loss-of-function variants in DIS3L2 are known to be pathogenic (PMID: 22306653, 28328139).

Literature cited by the submitters: PubMed 22306653; PubMed 28328139.

NM_152383.5(DIS3L2):c.2041C>T (p.Gln681Ter)

Gene: DIS3L2 (DIS3 like 3'-5' exoribonuclease 2; plus strand). Cytogenetic location: 2q37.1.
Variant type: single nucleotide variant.
Coding change: c.2041C>T on transcript NM_152383.5 (MANE Select); coding-DNA position 2041, C replaced by T.
Protein change: p.Gln681Ter; replaces glutamine 681 with a stop codon.
Molecular consequence: nonsense. On other transcripts: non-coding transcript variant (2), intron variant (1).
Genome position (GRCh38, 1-based): chr2:232,333,870, C>T. VCF-style: chr2-232333870-C-T. GRCh37 (hg19) VCF-style: chr2-233198580-C-T.
Other names: c.1582-9475C>T (NM_001257281.2); short protein forms Q681*.
Identifiers: ClinVar variation 836527 (VCV000836527.7), dbSNP rs1695848013, ClinGen allele CA350977352.